The following is an entry in ClinVar:

NM_004655.4(AXIN2):c.1565dup (p.His522fs)

Gene: AXIN2 (axin 2; minus strand). Cytogenetic location: 17q24.1.
Variant type: Duplication.
Coding change: c.1565dup on transcript NM_004655.4 (MANE Select); coding-DNA position 1565, one base duplicated (A; older notation c.1565dupA).
Protein change: p.His522fs; shifts the reading frame from histidine 522.
Molecular consequence: frameshift variant.
Genome position (GRCh38, 1-based): chr17:65,537,471, T duplicated on the plus strand (A on the coding strand, the reverse complement: AXIN2 is on the minus strand). VCF-style (leftmost placement, unchanged base first): chr17-65537470-A-AT. GRCh37 (hg19) VCF-style: chr17-63533588-A-AT.
Other names: c.1565dupA (NM_004655.3); c.1565dup, p.His522fs (NM_001363813.1); short protein forms H522fs.
Identifiers: ClinVar variation 2566112 (VCV002566112.2), dbSNP rs2509413024, ClinGen allele CA2580613223.

ClinVar aggregate classification (germline): Pathogenic (1 of 4 stars; one submission).

Conditions:
Hereditary cancer-predisposing syndrome. Also called: Neoplastic Syndromes, Hereditary; Hereditary Cancer Syndrome; Hereditary neoplastic syndrome; Tumor predisposition. Identifiers: Orphanet 140162, MedGen C0027672, MeSH D009386, MONDO:0015356.

Submission:

Ambry Genetics
Classification: Pathogenic for Hereditary cancer-predisposing syndrome. Last evaluated: 2023-04-04. Review status: criteria provided, single submitter. Criteria: Ambry Variant Classification Scheme 2023. Collection method: clinical testing. Allele origin: germline.
Comment: The c.1565dupA variant, located in coding exon 5 of the AXIN2 gene, results from a duplication of A at nucleotide position 1565, causing a translational frameshift with a predicted alternate stop codon (p.H522Qfs*106). This variant is considered to be rare based on population cohorts in the Genome Aggregation Database (gnomAD). This alteration is expected to result in loss of function by premature protein truncation or nonsense-mediated mRNA decay. As such, this alteration is interpreted as a disease-causing mutation.